The following is an entry in ClinVar:

ClinVar aggregate classification (germline): Pathogenic/Likely pathogenic. Review status: criteria provided, multiple submitters, no conflicts (2 of 4 stars). 3 submissions from 3 submitters: Pathogenic (2); Likely pathogenic (1). Last evaluated 2025-12-09.

Conditions:
Autosomal recessive nonsyndromic hearing loss 3. Also called: NEUROSENSORY NONSYNDROMIC RECESSIVE DEAFNESS 3. Identifiers: Orphanet 90636, MedGen C1838263, MONDO:0010860, OMIM 600316.

Submissions (3):

Genetics Research Center, University of Social Welfare and Rehabilitation Sciences
Classification: Pathogenic for Autosomal recessive nonsyndromic hearing loss 3. Last evaluated: 2025-12-09. Review status: criteria provided, single submitter. Criteria: ACMG Guidelines, 2015. Collection method: research. Allele origin: germline. Affected: yes.
Comment: The variant has not been observed in the gnomAD v2.1.1 dataset. It has been previously reported in individual(s) with MYO15A-related hearing loss and segregated in one affected relative (PMID:40275102). In silico RNA splicing prediction tools suggest that this variant may create or strengthen a splice site.

Institute of Rare Diseases, West China Hospital, Sichuan University
Classification: Likely pathogenic for Autosomal recessive nonsyndromic hearing loss 3. Last evaluated: 2025-01-09. Review status: criteria provided, single submitter. Criteria: ClinGen HL ACMG Specifications v1. Collection method: research. Allele origin: germline. Affected: yes.
Comment: PVS1;PM2_Supporting

ENT and Head and Neck Research Center and Department,  The Five Senses Health Institute, Iran University of Medical Sciences
Classification: Pathogenic for Autosomal recessive nonsyndromic hearing loss 3. Last evaluated: 2024-11-02. Review status: criteria provided, single submitter. Criteria: ClinGen HL ACMG Specifications v1. Collection method: clinical testing. Allele origin: germline. Affected: yes.
Comment: PVS1: Null variant (intronic within ±2 of splice site) in gene MYO15A. Loss-of-function is a known mechanism of disease (gene has 448 reported pathogenic LOF variants)., PM2: Variant not found in gnomAD genomes, good gnomAD genomes coverage = 31.9., PP1: Segregation in one affected relative for recessive

Literature cited by the submitters: PubMed 40275102 (cited by Genetics Research Center, University of Social Welfare and Rehabilitation Sciences); DOI 10.1038/s41598-025-99417-7 (cited by ENT and Head and Neck Research Center and Department,  The Five Senses Health Institute, Iran University of Medical Sciences).

NM_016239.4(MYO15A):c.7966+1G>A

Gene: MYO15A (myosin XVA; plus strand). Cytogenetic location: 17p11.2.
Variant type: single nucleotide variant.
Coding change: c.7966+1G>A on transcript NM_016239.4 (MANE Select); the canonical splice donor site of the intron after coding-DNA position 7966, G replaced by A.
Molecular consequence: splice donor variant.
Genome position (GRCh38, 1-based): chr17:18,152,185, G>A. VCF-style: chr17-18152185-G-A. GRCh37 (hg19) VCF-style: chr17-18055499-G-A.
Identifiers: ClinVar variation 3370461 (VCV003370461.3).